The following is an entry in ClinVar:

ClinVar aggregate classification (germline): not provided (0 of 4 stars; one submission).

Submission:

Human Evolutionary Genetics, Institut Pasteur
No classification provided. Review status: no classification provided. Collection method: not provided. Allele origin: germline.
ClinVar note: Converted during submission from untested to not provided.

NM_017852.5(NLRP2):c.3050+397_3050+399del

Gene: NLRP2 (NLR family pyrin domain containing 2; plus strand). Cytogenetic location: 19q13.42.
Variant type: Deletion.
Coding change: c.3050+397_3050+399del on transcript NM_017852.5 (MANE Select); bases 397 to 399 of the intron after coding-DNA position 3050, 3 bases deleted (GAG; older notation c.3050+397_3050+399delGAG).
Molecular consequence: intron variant.
Genome position (GRCh38, 1-based): chr19:54,997,884-54,997,886, GAG deleted. VCF-style (leftmost placement, unchanged base first): chr19-54997883-TGAG-T. GRCh37 (hg19) VCF-style: chr19-55509251-TGAG-T.
Other names: c.3050+397_3050+399del (NM_001174081.3); c.3041+397_3041+399del (NM_001348003.2); c.2984+397_2984+399del (NM_001174082.3); c.2981+397_2981+399del (NM_001174083.2).
Identifiers: ClinVar variation 103066 (VCV000103066.2), dbSNP rs199476221, ClinGen allele CA230062.